The following is an entry in ClinVar:

NM_000465.4(BARD1):c.7_21del (p.Asp3_Pro7del)

Gene: BARD1 (BRCA1 associated RING domain 1; minus strand). Cytogenetic location: 2q35.
Variant type: Deletion.
Coding change: c.7_21del on transcript NM_000465.4 (MANE Select); coding-DNA positions 7 to 21, 15 bases deleted (GATAATCGGCAGCCG).
Protein change: p.Asp3_Pro7del.
Molecular consequence: inframe deletion, initiator codon variant. On other transcripts: non-coding transcript variant (3).
Genome position (GRCh38, 1-based): chr2:214,809,549-214,809,563, CGGCTGCCGATTATC deleted on the plus strand (GATAATCGGCAGCCG on the coding strand, the reverse complement: BARD1 is on the minus strand); deleting any 15 consecutive bases within chr2:214,809,549-214,809,567 gives the same sequence; the c. name uses the placement nearest the transcript's 3' end. VCF-style (leftmost placement, unchanged base first): chr2-214809548-TCGGCTGCCGATTATC-T. GRCh37 (hg19) VCF-style: chr2-215674272-TCGGCTGCCGATTATC-T.
Other names: c.7_21del15 (NM_000465.2); c.7_21del, p.Asp3_Pro7del (NM_001282543.2, NM_001282545.2, NM_001282548.2 and 1 more transcripts).
Identifiers: ClinVar variation 3015778 (VCV003015778.4), dbSNP rs2469640197, ClinGen allele CA2740096430.

ClinVar aggregate classification (germline): Uncertain significance. Review status: criteria provided, multiple submitters, no conflicts (2 of 4 stars). 2 submissions from 2 submitters: Uncertain significance (2). Last evaluated 2026-06-26.

Conditions:
Familial cancer of breast. Also called: Hereditary breast cancer; hereditary breast carcinoma; BREAST CANCER, FAMILIAL. Identifiers: Orphanet 227535, MedGen C0346153, MONDO:0016419, OMIM 114480. Disease mechanism: loss of function.
Hereditary cancer-predisposing syndrome. Also called: Hereditary Cancer Syndrome; Hereditary neoplastic syndrome; Neoplastic Syndromes, Hereditary; Tumor predisposition. Identifiers: Orphanet 140162, MedGen C0027672, MeSH D009386, MONDO:0015356.

Submissions (2):

Ambry Genetics
Classification: Uncertain significance for Hereditary cancer-predisposing syndrome. Last evaluated: 2026-06-26. Review status: criteria provided, single submitter. Criteria: Ambry Variant Classification Scheme 2023. Collection method: clinical testing. Allele origin: germline.
Comment: The c.7_21del15 variant (also known as p.D3_P7del) is located in coding exon 1 of the BARD1 gene. This variant results from an in-frame deletion of 15 nucleotides (GATAATCGGCAGCCG) at positions 7 to 21. This results in the in-frame deletion of 5 amino acids (DNRQP) at codons 3 to 7. These amino acid positions are not conserved on limited sequence alignment. In addition, this variant is predicted to be neutral by in silico analysis (Choi Y et al. PLoS ONE. 2012; 7(10):e46688). Based on the available evidence, the clinical significance of this variant remains unclear.

Labcorp Genetics (formerly Invitae), Labcorp
Classification: Uncertain significance for Familial cancer of breast. Last evaluated: 2023-08-11. Review status: criteria provided, single submitter. Criteria: Invitae Variant Classification Sherloc (09022015). Collection method: clinical testing. Allele origin: germline.
Comment: In summary, the available evidence is currently insufficient to determine the role of this variant in disease. Therefore, it has been classified as a Variant of Uncertain Significance. Experimental studies and prediction algorithms are not available or were not evaluated, and the functional significance of this variant is currently unknown. This variant has not been reported in the literature in individuals affected with BARD1-related conditions. This variant is not present in population databases (gnomAD no frequency). This variant, c.7_21del, results in the deletion of 5 amino acid(s) of the BARD1 protein (p.Asp3_Pro7del), but otherwise preserves the integrity of the reading frame.